The following is an entry in ClinVar:

NM_000875.5(IGF1R):c.28C>T (p.Pro10Ser)

Genes: IGF1R (insulin like growth factor 1 receptor; plus strand), IRAIN (IGF1R antisense imprinted non-protein coding RNA; minus strand). Cytogenetic location: 15q26.3.
Variant type: single nucleotide variant.
Coding change: c.28C>T on transcript NM_000875.5 (MANE Select); coding-DNA position 28, C replaced by T.
Protein change: p.Pro10Ser; replaces proline 10 with serine.
Molecular consequence: missense variant. On other transcripts: non-coding transcript variant (1).
Genome position (GRCh38, 1-based): chr15:98,649,609, C>T. VCF-style: chr15-98649609-C-T. GRCh37 (hg19) VCF-style: chr15-99192838-C-T.
Other names: c.28C>T, p.Pro10Ser (NM_001291858.2); short protein forms P10S.
Identifiers: ClinVar variation 1935292 (VCV001935292.5), dbSNP rs530243293, ClinGen allele CA7751699.

ClinVar aggregate classification (germline): Uncertain significance (1 of 4 stars; one submission).

Allele frequency attached by ClinVar (database versions not stated): TOPMed below 0.00001; ExAC 0.00001; gnomAD 0.00001; gnomAD exomes 0.00001; 1000 Genomes Project 0.00020; 1000 Genomes Project 30x 0.00031.
gnomAD v4.1: 19 of 1,609,654 alleles (0.0012%); highest among the groups gnomAD compares: South Asian, 0.02%; no homozygotes.

Submission:

Labcorp Genetics (formerly Invitae), Labcorp
Classification: Uncertain significance. Last evaluated: 2025-02-24. Review status: criteria provided, single submitter. Criteria: Invitae Variant Classification Sherloc (09022015). Collection method: clinical testing. Allele origin: germline.
Comment: This sequence change replaces proline, which is neutral and non-polar, with serine, which is neutral and polar, at codon 10 of the IGF1R protein (p.Pro10Ser). This variant is present in population databases (rs530243293, gnomAD 0.01%). This variant has not been reported in the literature in individuals affected with IGF1R-related conditions. ClinVar contains an entry for this variant (Variation ID: 1935292). An algorithm developed to predict the effect of missense changes on protein structure and function (PolyPhen-2) suggests that this variant is likely to be tolerated. In summary, the available evidence is currently insufficient to determine the role of this variant in disease. Therefore, it has been classified as a Variant of Uncertain Significance.